The following is an entry in ClinVar:

ClinVar aggregate classification (germline): Uncertain significance. Review status: criteria provided, multiple submitters, no conflicts (2 of 4 stars). 3 submissions from 3 submitters: Uncertain significance (3). Last evaluated 2025-10-22.

Conditions:
Inborn genetic diseases. Identifiers: MedGen C0950123, MeSH D030342.

Allele frequency attached by ClinVar (database versions not stated): gnomAD 0.00009 and 0.00010; TOPMed 0.00009.
gnomAD v4.1: 16 of 1,472,536 alleles (0.0011%); highest among the groups gnomAD compares: African/African-American, 0.018%; no homozygotes.

Submissions (3):

Ambry Genetics
Classification: Uncertain significance for Inborn genetic diseases. Last evaluated: 2025-10-22. Review status: criteria provided, single submitter. Criteria: Ambry Variant Classification Scheme 2023. Collection method: clinical testing. Allele origin: germline.

GeneDx
Classification: Uncertain significance. Last evaluated: 2025-01-16. Review status: criteria provided, single submitter. Criteria: GeneDx Variant Classification Process June 2021. Collection method: clinical testing. Allele origin: germline. Affected: yes.
Comment: In silico analysis indicates that this missense variant does not alter protein structure/function; Has not been previously published as pathogenic or benign to our knowledge

Labcorp Genetics (formerly Invitae), Labcorp
Classification: Uncertain significance. Last evaluated: 2022-06-30. Review status: criteria provided, single submitter. Criteria: Invitae Variant Classification Sherloc (09022015). Collection method: clinical testing. Allele origin: germline.
Comment: This sequence change replaces valine, which is neutral and non-polar, with leucine, which is neutral and non-polar, at codon 427 of the TYMP protein (p.Val427Leu). This variant is present in population databases (no rsID available, gnomAD 0.02%). This variant has not been reported in the literature in individuals affected with TYMP-related conditions. ClinVar contains an entry for this variant (Variation ID: 1451054). Advanced modeling of protein sequence and biophysical properties (such as structural, functional, and spatial information, amino acid conservation, physicochemical variation, residue mobility, and thermodynamic stability) performed at Invitae indicates that this missense variant is not expected to disrupt TYMP protein function. In summary, the available evidence is currently insufficient to determine the role of this variant in disease. Therefore, it has been classified as a Variant of Uncertain Significance.

NM_001953.5(TYMP):c.1279G>C (p.Val427Leu)

Genes: SCO2 (synthesis of cytochrome C oxidase 2; minus strand), TYMP (thymidine phosphorylase; minus strand), LOC130067862 (ATAC-STARR-seq lymphoblastoid silent region 13986; plus strand). Cytogenetic location: 22q13.33.
Variant type: single nucleotide variant.
Coding change: c.1279G>C on transcript NM_001953.5 (MANE Select); coding-DNA position 1279, G replaced by C.
Protein change: p.Val427Leu; replaces valine 427 with leucine.
Molecular consequence: missense variant. On other transcripts: 5 prime UTR variant (1), intron variant (1).
Genome position (GRCh38, 1-based): chr22:50,526,022, C>G on the plus strand (G>C on the coding strand, the complement: TYMP is on the minus strand). VCF-style: chr22-50526022-C-G. GRCh37 (hg19) VCF-style: chr22-50964451-C-G.
Other names: c.1279G>C, p.Val427Leu (NM_001113755.3, NM_001113756.3, NM_001257988.1); c.1294G>C, p.Val432Leu (NM_001257989.1); c.-35G>C (NM_001169110.1); c.-14+224G>C (NM_001169109.2); short protein forms V427L, V432L.
Identifiers: ClinVar variation 1451054 (VCV001451054.7), dbSNP rs915052922, ClinGen allele CA325560322.